The following is an entry in ClinVar:

NM_006136.3(CAPZA2):c.720+1G>A

Gene: CAPZA2 (capping actin protein of muscle Z-line subunit alpha 2; plus strand). Cytogenetic location: 7q31.2.
Variant type: single nucleotide variant.
Coding change: c.720+1G>A on transcript NM_006136.3 (MANE Select); the canonical splice donor site of the intron after coding-DNA position 720, G replaced by A.
Molecular consequence: splice donor variant.
Genome position (GRCh38, 1-based): chr7:116,916,123, G>A. VCF-style: chr7-116916123-G-A. GRCh37 (hg19) VCF-style: chr7-116556177-G-A.
Identifiers: ClinVar variation 3906523 (VCV003906523.1).
Genomic context (GRCh38, chr7:116,916,123, plus strand): 5'-GAAGTGCAAACAGCAAAAGAATTTATAAAGATTGTAGAAGCTGCAGAAAATGAATACCAG[G>A]TATGATTTTTTAAATATTATATAAGCTACACTCACATATGAATTAATGTCACTGAAATTT-3'

ClinVar aggregate classification (germline): Uncertain significance (1 of 4 stars; one submission).

Submission:

GeneDx
Classification: Uncertain significance. Last evaluated: 2024-12-17. Review status: criteria provided, single submitter. Criteria: GeneDx Variant Classification Process June 2021. Collection method: clinical testing. Allele origin: germline. Affected: yes.
Comment: Not observed at significant frequency in large population cohorts (gnomAD); Canonical splice site variant with an unclear effect on protein function; Has not been previously published as pathogenic or benign to our knowledge